The following is an entry in ClinVar:

NM_004329.3(BMPR1A):c.1325G>A (p.Arg442His)

Gene: BMPR1A (bone morphogenetic protein receptor type 1A; plus strand). Cytogenetic location: 10q23.2.
Variant type: single nucleotide variant.
Coding change: c.1325G>A on transcript NM_004329.3 (MANE Select); coding-DNA position 1325, G replaced by A.
Protein change: p.Arg442His; replaces arginine 442 with histidine.
Molecular consequence: missense variant.
Genome position (GRCh38, 1-based): chr10:86,921,678, G>A. VCF-style: chr10-86921678-G-A. GRCh37 (hg19) VCF-style: chr10-88681435-G-A.
Other names: short protein forms R442H.
Identifiers: ClinVar variation 529919 (VCV000529919.16), dbSNP rs1554891354, ClinGen allele CA377462413.

ClinVar aggregate classification (germline): Uncertain significance. Review status: criteria provided, multiple submitters, no conflicts (2 of 4 stars). 3 submissions from 3 submitters: Uncertain significance (3). Last evaluated 2026-08-18.

Conditions:
Juvenile polyposis syndrome (JPS). Identifiers: Orphanet 2929, MedGen C0345893, MONDO:0017380, OMIM 174900.
Hereditary cancer-predisposing syndrome. Also called: Hereditary Cancer Syndrome; Tumor predisposition; Hereditary neoplastic syndrome; Neoplastic Syndromes, Hereditary. Identifiers: Orphanet 140162, MedGen C0027672, MeSH D009386, MONDO:0015356.

Allele frequency attached by ClinVar (database versions not stated): gnomAD exomes below 0.00001.

Submissions (3):

Ambry Genetics
Classification: Uncertain significance for Hereditary cancer-predisposing syndrome. Last evaluated: 2026-08-18. Review status: criteria provided, single submitter. Criteria: Ambry Variant Classification Scheme 2023. Collection method: clinical testing. Allele origin: germline.
Comment: The p.R442H variant (also known as c.1325G>A), located in coding exon 9 of the BMPR1A gene, results from a G to A substitution at nucleotide position 1325. The arginine at codon 442 is replaced by histidine, an amino acid with highly similar properties. This amino acid position is highly conserved in available vertebrate species. In addition, this alteration is predicted to be deleterious by in silico analysis. Based on the available evidence, the clinical significance of this variant remains unclear.

Labcorp Genetics (formerly Invitae), Labcorp
Classification: Uncertain significance for Juvenile polyposis syndrome. Last evaluated: 2025-11-10. Review status: criteria provided, single submitter. Criteria: Invitae Variant Classification Sherloc (09022015). Collection method: clinical testing. Allele origin: germline.
Comment: This sequence change replaces arginine, which is basic and polar, with histidine, which is basic and polar, at codon 442 of the BMPR1A protein (p.Arg442His). This variant is not present in population databases (gnomAD no frequency). This variant has not been reported in the literature in individuals affected with BMPR1A-related conditions. ClinVar contains an entry for this variant (Variation ID: 529919). Invitae Evidence Modeling of protein sequence and biophysical properties (such as structural, functional, and spatial information, amino acid conservation, physicochemical variation, residue mobility, and thermodynamic stability) indicates that this missense variant is not expected to disrupt BMPR1A protein function with a negative predictive value of 80%. Experimental studies are conflicting or provide insufficient evidence to determine the effect of this variant on BMPR1A function (PMID: 31769494). In summary, the available evidence is currently insufficient to determine the role of this variant in disease. Therefore, it has been classified as a Variant of Uncertain Significance.

GeneDx
Classification: Uncertain significance. Last evaluated: 2023-08-16. Review status: criteria provided, single submitter. Criteria: GeneDx Variant Classification Process June 2021. Collection method: clinical testing. Allele origin: germline. Affected: yes.
Comment: Not observed at significant frequency in large population cohorts (gnomAD); In silico analysis supports that this missense variant has a deleterious effect on protein structure/function; Observed in an individual with idiopathic primary ovarian insufficiency (Patino et al., 2017); Published functional studies demonstrate defective transcriptional activity compared to wildtype (Renault et al., 2020); This variant is associated with the following publications: (PMID: 34333627, 37455267, 28505269, 31769494)

Literature cited by the submitters: PubMed 31769494 (cited by Labcorp Genetics (formerly Invitae), Labcorp).